The following is an entry in ClinVar:

NM_000548.5(TSC2):c.2957T>G (p.Val986Gly)

Gene: TSC2 (TSC complex subunit 2; plus strand). Cytogenetic location: 16p13.3.
Variant type: single nucleotide variant.
Coding change: c.2957T>G on transcript NM_000548.5 (MANE Select); coding-DNA position 2957, T replaced by G.
Protein change: p.Val986Gly; replaces valine 986 with glycine.
Molecular consequence: missense variant. On other transcripts: intron variant (9).
Genome position (GRCh38, 1-based): chr16:2,077,717, T>G. VCF-style: chr16-2077717-T-G. GRCh37 (hg19) VCF-style: chr16-2127718-T-G.
Other names: c.2957T>G, p.Val986Gly (NM_001114382.3); c.2837+1132T>G (NM_021055.3, NM_001370405.1, NM_001363528.2 and 2 more transcripts); c.2726+1132T>G (NM_001318827.2); c.2237+1132T>G (NM_001318831.2); c.2690+1132T>G (NM_001318829.2); c.2870+1132T>G (NM_001318832.2); short protein forms V986G.
Identifiers: ClinVar variation 822364 (VCV000822364.6), dbSNP rs1596375441, ClinGen allele CA394281569.

ClinVar aggregate classification (germline): Uncertain significance. Review status: criteria provided, multiple submitters, no conflicts (2 of 4 stars). 2 submissions from 2 submitters: Uncertain significance (2). Last evaluated 2024-04-09.

Conditions:
Tuberous sclerosis 2 (TSC2). Identifiers: Orphanet 805, MedGen C1860707, MONDO:0013199, OMIM 613254.
Hereditary cancer-predisposing syndrome. Also called: Hereditary Cancer Syndrome; Neoplastic Syndromes, Hereditary; Hereditary neoplastic syndrome; Tumor predisposition. Identifiers: Orphanet 140162, MedGen C0027672, MeSH D009386, MONDO:0015356.

Allele frequency attached by ClinVar (database versions not stated): gnomAD exomes below 0.00001.
gnomAD v4.1: 1 of 1,612,830 alleles (0.000062%); highest among the groups gnomAD compares: East Asian, 0.0022%; no homozygotes.

Submissions (2):

Labcorp Genetics (formerly Invitae), Labcorp
Classification: Uncertain significance for Tuberous sclerosis 2. Last evaluated: 2024-04-09. Review status: criteria provided, single submitter. Criteria: Invitae Variant Classification Sherloc (09022015). Collection method: clinical testing. Allele origin: germline.
Comment: This sequence change replaces valine, which is neutral and non-polar, with glycine, which is neutral and non-polar, at codon 986 of the TSC2 protein (p.Val986Gly). This variant is not present in population databases (gnomAD no frequency). This variant has not been reported in the literature in individuals affected with TSC2-related conditions. ClinVar contains an entry for this variant (Variation ID: 822364). Advanced modeling of protein sequence and biophysical properties (such as structural, functional, and spatial information, amino acid conservation, physicochemical variation, residue mobility, and thermodynamic stability) performed at Invitae indicates that this missense variant is not expected to disrupt TSC2 protein function with a negative predictive value of 95%. In summary, the available evidence is currently insufficient to determine the role of this variant in disease. Therefore, it has been classified as a Variant of Uncertain Significance.

Ambry Genetics
Classification: Uncertain significance for Hereditary cancer-predisposing syndrome. Last evaluated: 2022-03-31. Review status: criteria provided, single submitter. Criteria: Ambry Variant Classification Scheme 2023. Collection method: clinical testing. Allele origin: germline.
Comment: The p.V986G variant (also known as c.2957T>G), located in coding exon 25 of the TSC2 gene, results from a T to G substitution at nucleotide position 2957. The valine at codon 986 is replaced by glycine, an amino acid with dissimilar properties. This amino acid position is not well conserved in available vertebrate species. In addition, the in silico prediction for this alteration is inconclusive. Since supporting evidence is limited at this time, the clinical significance of this alteration remains unclear.